The following is an entry in ClinVar:

ClinVar aggregate classification (germline): Pathogenic/Likely pathogenic. Review status: criteria provided, multiple submitters, no conflicts (2 of 4 stars). 2 submissions from 2 submitters: Pathogenic (1); Likely pathogenic (1). Last evaluated 2024-10-10.

Conditions:
Klippel-Feil syndrome 2, autosomal recessive (KFS2). Also called: Klippel Feil syndrome autosomal recessive; CERVICAL VERTEBRAL FUSION, AUTOSOMAL RECESSIVE; KLIPPEL-FEIL SYNDROME 2; KFS, AUTOSOMAL RECESSIVE. Identifiers: Orphanet 2345, MedGen C1859209, MONDO:0008958, OMIM 214300.

gnomAD v4.1: 1 of 1,609,092 alleles (0.000062%); highest among the groups gnomAD compares: Non-Finnish European, 0.000085%; no homozygotes.

Submissions (2):

Labcorp Genetics (formerly Invitae), Labcorp
Classification: Pathogenic. Last evaluated: 2024-10-10. Review status: criteria provided, single submitter. Criteria: Invitae Variant Classification Sherloc (09022015). Collection method: clinical testing. Allele origin: germline.
Comment: This sequence change creates a premature translational stop signal (p.Trp94*) in the MEOX1 gene. It is expected to result in an absent or disrupted protein product. Loss-of-function variants in MEOX1 are known to be pathogenic (PMID: 23290072, 24073994). This variant is not present in population databases (gnomAD no frequency). This variant has not been reported in the literature in individuals affected with MEOX1-related conditions. For these reasons, this variant has been classified as Pathogenic.

Genetics and Genomic Medicine Centre, NeuroGen Healthcare, NeuroGen Healthcare
Classification: Likely pathogenic for Klippel-Feil syndrome 2, autosomal recessive. Last evaluated: 2022-03-12. Review status: criteria provided, single submitter. Criteria: Submitter's publication. Collection method: clinical testing. Allele origin: unknown. Affected: no.

Literature cited by the submitters: PubMed 23290072 (cited by Labcorp Genetics (formerly Invitae), Labcorp); PubMed 24073994 (cited by Labcorp Genetics (formerly Invitae), Labcorp).

NM_004527.4(MEOX1):c.282G>A (p.Trp94Ter)

Gene: MEOX1 (mesenchyme homeobox 1; minus strand). Cytogenetic location: 17q21.31.
Variant type: single nucleotide variant.
Coding change: c.282G>A on transcript NM_004527.4 (MANE Select); coding-DNA position 282, G replaced by A.
Protein change: p.Trp94Ter; replaces tryptophan 94 with a stop codon.
Molecular consequence: nonsense. On other transcripts: 5 prime UTR variant (1).
Genome position (GRCh38, 1-based): chr17:43,661,253, C>T on the plus strand (G>A on the coding strand, the complement: MEOX1 is on the minus strand). VCF-style: chr17-43661253-C-T. GRCh37 (hg19) VCF-style: chr17-41738621-C-T.
Other names: c.-64G>A (NM_001040002.2); c.282G>A, p.Trp94Ter (NM_013999.4); short protein forms W94*.
Identifiers: ClinVar variation 3722664 (VCV003722664.4).